The following is an entry in ClinVar:

NM_001111125.3(IQSEC2):c.1610C>A (p.Pro537His)

Gene: IQSEC2 (IQ motif and Sec7 domain ArfGEF 2; minus strand). Cytogenetic location: Xp11.22.
Variant type: single nucleotide variant.
Coding change: c.1610C>A on transcript NM_001111125.3 (MANE Select); coding-DNA position 1610, C replaced by A.
Protein change: p.Pro537His; replaces proline 537 with histidine.
Molecular consequence: missense variant.
Genome position (GRCh38, 1-based): chrX:53,250,966, G>T on the plus strand (C>A on the coding strand, the complement: IQSEC2 is on the minus strand). VCF-style: chrX-53250966-G-T. GRCh37 (hg19) VCF-style: chrX-53280148-G-T.
Other names: c.995C>A, p.Pro332His (NM_015075.2); short protein forms P332H, P537H.
Identifiers: ClinVar variation 1310070 (VCV001310070.5), dbSNP rs2147102528, ClinGen allele CA413165085.

ClinVar aggregate classification (germline): Uncertain significance. Review status: criteria provided, multiple submitters, no conflicts (2 of 4 stars). 2 submissions from 2 submitters: Uncertain significance (2). Last evaluated 2026-01-13.

Conditions:
Intellectual developmental disorder, X-linked 1. Also called: Atkin Flaitz Patil Smith syndrome; MENTAL RETARDATION, X-LINKED 18; MENTAL RETARDATION, X-LINKED 78; Intellectual disability, X-linked 1. Identifiers: Orphanet 777, MedGen C2931498, MONDO:0010656, OMIM 309530.

Submissions (2):

GeneDx
Classification: Uncertain significance. Last evaluated: 2026-01-13. Review status: criteria provided, single submitter. Criteria: GeneDx Variant Classification Process June 2021. Collection method: clinical testing. Allele origin: germline. Affected: yes.
Comment: Not observed at significant frequency in large population cohorts (gnomAD); In silico analysis indicates that this missense variant does not alter protein structure/function; Has not been previously published as pathogenic or benign to our knowledge

Labcorp Genetics (formerly Invitae), Labcorp
Classification: Uncertain significance for Intellectual developmental disorder, X-linked 1. Last evaluated: 2025-12-13. Review status: criteria provided, single submitter. Criteria: Invitae Variant Classification Sherloc (09022015). Collection method: clinical testing. Allele origin: germline.
Comment: This sequence change replaces proline, which is neutral and non-polar, with histidine, which is basic and polar, at codon 537 of the IQSEC2 protein (p.Pro537His). This variant is not present in population databases (gnomAD no frequency). This variant has not been reported in the literature in individuals affected with IQSEC2-related conditions. ClinVar contains an entry for this variant (Variation ID: 1310070). Invitae Evidence Modeling of protein sequence and biophysical properties (such as structural, functional, and spatial information, amino acid conservation, physicochemical variation, residue mobility, and thermodynamic stability) indicates that this missense variant is not expected to disrupt IQSEC2 protein function with a negative predictive value of 95%. In summary, the available evidence is currently insufficient to determine the role of this variant in disease. Therefore, it has been classified as a Variant of Uncertain Significance.